The following is an entry in ClinVar:

NM_139057.4(ADAMTS17):c.1017C>T (p.Ala339=)

Gene: ADAMTS17 (ADAM metallopeptidase with thrombospondin type 1 motif 17; minus strand). Cytogenetic location: 15q26.3.
Variant type: single nucleotide variant.
Coding change: c.1017C>T on transcript NM_139057.4 (MANE Select); coding-DNA position 1017, C replaced by T.
Protein change: p.Ala339=; no amino-acid change (alanine 339 retained).
Molecular consequence: synonymous variant.
Genome position (GRCh38, 1-based): chr15:100,261,493, G>A on the plus strand (C>T on the coding strand, the complement: ADAMTS17 is on the minus strand). VCF-style: chr15-100261493-G-A. GRCh37 (hg19) VCF-style: chr15-100801698-G-A.
Other names: p.Ala339=.
Identifiers: ClinVar variation 315304 (VCV000315304.21), dbSNP rs4965613, ClinGen allele CA7758446.

ClinVar aggregate classification (germline): Benign. Review status: criteria provided, multiple submitters, no conflicts (2 of 4 stars). 9 submissions from 9 submitters: Benign (7). 2 of the submissions do not count toward it. Last evaluated 2026-02-04.

Conditions:
Weill-Marchesani 4 syndrome, recessive. Also called: Weill-Marchesani syndrome 4. Identifiers: Orphanet 363992, MedGen C2750787, MONDO:0013176, OMIM 613195.

Allele frequency attached by ClinVar (database versions not stated): TOPMed 0.67271; ESP Exome Variant Server 0.67400; gnomAD exomes 0.67795 and 0.67976; ExAC 0.68255; gnomAD 0.68304 and 0.68364; 1000 Genomes Project 30x 0.68801; 1000 Genomes Project 0.69209.
gnomAD v4.1: 1,094,410 of 1,613,752 alleles (68%); highest among the groups gnomAD compares: South Asian, 72%; 372,144 homozygotes.

Submissions (9):

Labcorp Genetics (formerly Invitae), Labcorp
Classification: Benign. Last evaluated: 2026-02-04. Review status: criteria provided, single submitter. Criteria: Invitae Variant Classification Sherloc (09022015). Collection method: clinical testing. Allele origin: germline.

Blueprint Genetics
Classification: Benign. Last evaluated: 2024-11-27. Review status: criteria provided, single submitter. Criteria: ACMG Guidelines, 2015. Collection method: clinical testing. Allele origin: germline.

Mayo Clinic Laboratories, Mayo Clinic
Classification: Benign. Last evaluated: 2022-04-26. Review status: criteria provided, single submitter. Criteria: ACMG Guidelines, 2015. Collection method: clinical testing. Allele origin: germline. Observed: 648 variant alleles.

Genome-Nilou Lab
Classification: Benign for Weill-Marchesani 4 syndrome, recessive. Last evaluated: 2021-07-14. Review status: criteria provided, single submitter. Criteria: ACMG Guidelines, 2015. Collection method: clinical testing. Allele origin: germline. Affected: no.

GeneDx
Classification: Benign. Last evaluated: 2018-09-06. Review status: criteria provided, single submitter. Criteria: GeneDx Variant Classification Process June 2021. Collection method: clinical testing. Allele origin: germline. Affected: yes.

Illumina Laboratory Services, Illumina
Classification: Benign for Weill-Marchesani 4 syndrome, recessive. Last evaluated: 2018-01-13. Review status: criteria provided, single submitter. Criteria: ICSL Variant Classification Criteria 13 December 2019. Collection method: clinical testing. Allele origin: germline.
Comment: This variant was observed in the ICSL laboratory as part of a predisposition screen in an ostensibly healthy population. It had not been previously curated by ICSL or reported in the Human Gene Mutation Database (HGMD: prior to June 1st, 2018), and was therefore a candidate for classification through an automated scoring system. Utilizing variant allele frequency, disease prevalence and penetrance estimates, and inheritance mode, an automated score was calculated to assess if this variant is too frequent to cause the disease. Based on the score and internal cut-off values, a variant classified as benign is not then subjected to further curation. The score for this variant resulted in a classification of benign for this disease.

Breakthrough Genomics
Classification: Benign. Review status: criteria provided, single submitter. Criteria: ACMG Guidelines, 2015. Collection method: not provided. Allele origin: germline. Inheritance: Autosomal recessive inheritance. Affected: yes.

Diagnostic Laboratory, Department of Genetics, University Medical Center Groningen
Classification: Benign for Weill-Marchesani 4 syndrome, recessive. Review status: no assertion criteria provided. Collection method: clinical testing. Allele origin: germline. Affected: yes. Study: VKGL Data-share Consensus. Not counted in ClinVar's aggregate classification.

Genome Diagnostics Laboratory, Amsterdam University Medical Center
Classification: Benign. Review status: no assertion criteria provided. Collection method: clinical testing. Allele origin: germline. Affected: yes. Study: VKGL Data-share Consensus. Not counted in ClinVar's aggregate classification.